The following is an entry in ClinVar:

ClinVar aggregate classification (germline): Benign. Review status: criteria provided, multiple submitters, no conflicts (2 of 4 stars). 8 submissions from 8 submitters: Benign (6). 2 of the submissions do not count toward it. Last evaluated 2026-02-04.

Conditions:
Brown-Vialetto-van Laere syndrome 1. Also called: BULBAR PALSY, PROGRESSIVE, WITH SENSORINEURAL DEAFNESS; PONTOBULBAR PALSY WITH DEAFNESS; BROWN-VIALETTO-VAN LAERE SYNDROME 1, MILD. Identifiers: Orphanet 572550, Orphanet 97229, MedGen C0796274, MONDO:0024537, OMIM 211530.

Allele frequency attached by ClinVar (database versions not stated): TOPMed 0.18201; gnomAD 0.18798 and 0.18642; ExAC 0.19817; 1000 Genomes Project 0.18231; 1000 Genomes Project 30x 0.17879; gnomAD exomes 0.19499 and 0.21341; ESP Exome Variant Server 0.19606.

Submissions (8):

Labcorp Genetics (formerly Invitae), Labcorp
Classification: Benign for Brown-Vialetto-van Laere syndrome 1. Last evaluated: 2026-02-04. Review status: criteria provided, single submitter. Criteria: Invitae Variant Classification Sherloc (09022015). Collection method: clinical testing. Allele origin: germline.

Mayo Clinic Laboratories, Mayo Clinic
Classification: Benign. Last evaluated: 2022-04-26. Review status: criteria provided, single submitter. Criteria: ACMG Guidelines, 2015. Collection method: clinical testing. Allele origin: germline. Observed: 547 variant alleles.

GeneDx
Classification: Benign. Last evaluated: 2018-07-08. Review status: criteria provided, single submitter. Criteria: GeneDx Variant Classification Process June 2021. Collection method: clinical testing. Allele origin: germline. Affected: yes.

Laboratory for Molecular Medicine, Mass General Brigham Personalized Medicine
Classification: Benign. Last evaluated: 2017-08-23. Review status: criteria provided, single submitter. Criteria: LMM Criteria. Collection method: clinical testing. Allele origin: germline. Observed: 100 variant alleles.
Comment: p.Pro267Leu in exon 3 of SLC52A3: This variant is not expected to have clinical significance because it has been identified in 26.27% (2264/8618) of East Asian chromosomes by the Exome Aggregation Consortium (ExAC; dbSNP rs3746804).

Breakthrough Genomics
Classification: Benign. Review status: criteria provided, single submitter. Criteria: ACMG Guidelines, 2015. Collection method: not provided. Allele origin: germline. Inheritance: Autosomal recessive inheritance. Affected: yes.

PreventionGenetics, part of Exact Sciences
Classification: Benign. Review status: criteria provided, single submitter. Criteria: ACMG Guidelines, 2015. Collection method: clinical testing. Allele origin: germline.

Clinical Genetics, Academic Medical Center
Classification: Benign. Review status: no assertion criteria provided. Collection method: clinical testing. Allele origin: germline. Affected: yes. Study: VKGL Data-share Consensus. Not counted in ClinVar's aggregate classification.

Joint Genome Diagnostic Labs from Nijmegen and Maastricht, Radboudumc and MUMC+
Classification: Benign. Review status: no assertion criteria provided. Collection method: clinical testing. Allele origin: germline. Affected: yes. Study: VKGL Data-share Consensus. Not counted in ClinVar's aggregate classification.

NM_033409.4(SLC52A3):c.800C>T (p.Pro267Leu)

Gene: SLC52A3 (solute carrier family 52 member 3; minus strand). Cytogenetic location: 20p13.
Variant type: single nucleotide variant.
Coding change: c.800C>T on transcript NM_033409.4 (MANE Select); coding-DNA position 800, C replaced by T.
Protein change: p.Pro267Leu; replaces proline 267 with leucine.
Molecular consequence: missense variant.
Genome position (GRCh38, 1-based): chr20:763,771, G>A on the plus strand (C>T on the coding strand, the complement: SLC52A3 is on the minus strand). VCF-style: chr20-763771-G-A. GRCh37 (hg19) VCF-style: chr20-744415-G-A.
Other names: c.800C>T, p.Pro267Leu (NM_001370085.1, NM_001370086.1); short protein forms P267L.
Identifiers: ClinVar variation 262239 (VCV000262239.22), dbSNP rs3746804, ClinGen allele CA9724680.